The following is an entry in ClinVar:

ClinVar aggregate classification (germline): Uncertain significance (1 of 4 stars; one submission).

gnomAD v4.1: 10 of 1,614,026 alleles (0.00062%); highest among the groups gnomAD compares: South Asian, 0.0077%; no homozygotes.

Submission:

Women's Health and Genetics/Laboratory Corporation of America, LabCorp
Classification: Uncertain significance. Last evaluated: 2025-02-18. Review status: criteria provided, single submitter. Criteria: LabCorp Variant Classification Summary - May 2015. Collection method: clinical testing. Allele origin: germline.
Comment: Variant summary: HFE c.817C>A (p.Pro273Thr) results in a non-conservative amino acid change located in the Ig-like domain (IPR007110) of the encoded protein sequence. Four of five in-silico tools predict a benign effect of the variant on protein function. The variant allele was found at a frequency of 2e-05 in 251430 control chromosomes. The available data on variant occurrences in the general population are insufficient to allow any conclusion about variant significance. To our knowledge, no occurrence of c.817C>A in individuals affected with Hemochromatosis Type 1 and no experimental evidence demonstrating its impact on protein function have been reported. No submitters have cited clinical-significance assessments for this variant to ClinVar. Based on the evidence outlined above, the variant was classified as uncertain significance.

NM_000410.4(HFE):c.817C>A (p.Pro273Thr)

Gene: HFE (homeostatic iron regulator; plus strand). Cytogenetic location: 6p22.2.
Variant type: single nucleotide variant.
Coding change: c.817C>A on transcript NM_000410.4 (MANE Select); coding-DNA position 817, C replaced by A.
Protein change: p.Pro273Thr; replaces proline 273 with threonine.
Molecular consequence: missense variant. On other transcripts: intron variant (1).
Genome position (GRCh38, 1-based): chr6:26,092,885, C>A. VCF-style: chr6-26092885-C-A. GRCh37 (hg19) VCF-style: chr6-26093113-C-A.
Other names: c.817C>A, p.Pro273Thr (NM_001300749.3, NM_001384164.1); c.808C>A, p.Pro270Thr (NM_001406751.1); c.553C>A, p.Pro185Thr (NM_001406752.1, NM_139007.3); c.499C>A, p.Pro167Thr (NM_139003.3); c.541C>A, p.Pro181Thr (NM_139004.3); c.775C>A, p.Pro259Thr (NM_139006.3); c.511C>A, p.Pro171Thr (NM_139008.3); c.748C>A, p.Pro250Thr (NM_139009.3); and 2 more; short protein forms P167T, P171T, P181T, P185T, P250T, P259T, P270T, P273T.
Identifiers: ClinVar variation 3768991 (VCV003768991.1).